The following is an entry in ClinVar:

ClinVar aggregate classification (germline): Pathogenic (1 of 4 stars; one submission).

Conditions:
Bainbridge-Ropers syndrome. Also called: Severe feeding difficulties-failure to thrive-microcephaly due to ASXL3 deficiency syndrome. Identifiers: Orphanet 352577, MedGen C4750837, MONDO:0014205, OMIM 615485.

Submission:

Institute of Human Genetics, Heidelberg University
Classification: Pathogenic for Bainbridge-Ropers syndrome. Last evaluated: 2025-07-24. Review status: criteria provided, single submitter. Criteria: ACMG Guidelines, 2015. Collection method: clinical testing. Allele origin: de novo. Affected: yes. Observed: 1 variant allele.
Comment: PS2_mod, PVS1_vs, PM2_supp

NM_030632.3(ASXL3):c.1210_1216del (p.Gln404fs)

Gene: ASXL3 (ASXL transcriptional regulator 3; plus strand). Cytogenetic location: 18q12.1.
Variant type: Deletion.
Coding change: c.1210_1216del on transcript NM_030632.3 (MANE Select); coding-DNA positions 1210 to 1216, 7 bases deleted (CAGCCAA; older notation c.1210_1216delCAGCCAA).
Protein change: p.Gln404fs; shifts the reading frame from glutamine 404.
Molecular consequence: frameshift variant.
Genome position (GRCh38, 1-based): chr18:33,738,614-33,738,620, CAGCCAA deleted; deleting any 7 consecutive bases within chr18:33,738,611-33,738,620 gives the same sequence; the c. name uses the placement nearest the transcript's 3' end. VCF-style (leftmost placement, unchanged base first): chr18-33738610-ACAACAGC-A. GRCh37 (hg19) VCF-style: chr18-31318574-ACAACAGC-A.
Other names: short protein forms Q404fs.
Identifiers: ClinVar variation 4277240 (VCV004277240.1).